The following is an entry in ClinVar:

NM_153614.4(DNAJB13):c.485C>T (p.Ser162Phe)

Gene: DNAJB13 (DnaJ heat shock protein family (Hsp40) member B13; plus strand). Cytogenetic location: 11q13.4.
Variant type: single nucleotide variant.
Coding change: c.485C>T on transcript NM_153614.4 (MANE Select); coding-DNA position 485, C replaced by T.
Protein change: p.Ser162Phe; replaces serine 162 with phenylalanine.
Molecular consequence: missense variant.
Genome position (GRCh38, 1-based): chr11:73,965,028, C>T. VCF-style: chr11-73965028-C-T. GRCh37 (hg19) VCF-style: chr11-73676073-C-T.
Other names: c.311C>T, p.Ser104Phe (NM_001377263.1); c.323C>T, p.Ser108Phe (NM_001441321.1); short protein forms S162F, S104F, S108F.
Identifiers: ClinVar variation 4661264 (VCV004661264.3).

ClinVar aggregate classification (germline): Uncertain significance. Review status: criteria provided, multiple submitters, no conflicts (2 of 4 stars). 2 submissions from 2 submitters: Uncertain significance (2). Last evaluated 2025-10-21.

Conditions:
Primary ciliary dyskinesia 34. Also called: CILIARY DYSKINESIA, PRIMARY, 34, WITHOUT SITUS INVERSUS. Identifiers: Orphanet 244, MedGen C4310722, MONDO:0014909, OMIM 617091.

gnomAD v4.1: 2 of 1,585,996 alleles (0.00013%); highest among the groups gnomAD compares: South Asian, 0.0012%; no homozygotes.

Submissions (2):

Ambry Genetics
Classification: Uncertain significance. Last evaluated: 2025-10-21. Review status: criteria provided, single submitter. Criteria: Ambry Variant Classification Scheme 2023. Collection method: clinical testing. Allele origin: germline.

Juno Genomics, Hangzhou Juno Genomics, Inc
Classification: Uncertain significance for Primary ciliary dyskinesia 34. Review status: criteria provided, single submitter. Criteria: ACMG Guidelines, 2015. Collection method: clinical testing. Allele origin: germline.
Comment: Absent from controls (or at extremely low frequency if recessive) in Genome Aggregation Database.;Multiple lines of computational evidence support a deleterious effect on the gene or gene product.